The following is an entry in ClinVar:

NM_001145809.2(MYH14):c.1084G>A (p.Val362Ile)

Gene: MYH14 (myosin heavy chain 14; plus strand). Cytogenetic location: 19q13.33.
Variant type: single nucleotide variant.
Coding change: c.1084G>A on transcript NM_001145809.2 (MANE Select); coding-DNA position 1084, G replaced by A.
Protein change: p.Val362Ile; replaces valine 362 with isoleucine.
Molecular consequence: missense variant.
Genome position (GRCh38, 1-based): chr19:50,232,040, G>A. VCF-style: chr19-50232040-G-A. GRCh37 (hg19) VCF-style: chr19-50735297-G-A.
Other names: c.1084G>A, p.Val362Ile (NM_001077186.2); c.1060G>A, p.Val354Ile (NM_024729.4); short protein forms V354I, V362I.
Identifiers: ClinVar variation 4777869 (VCV004777869.1).

ClinVar aggregate classification (germline): Uncertain significance (1 of 4 stars; one submission).

gnomAD v4.1: 1 of 1,612,950 alleles (0.000062%); highest among the groups gnomAD compares: African/African-American, 0.0013%; no homozygotes.

Submission:

Labcorp Genetics (formerly Invitae), Labcorp
Classification: Uncertain significance. Last evaluated: 2025-03-29. Review status: criteria provided, single submitter. Criteria: Invitae Variant Classification Sherloc (09022015). Collection method: clinical testing. Allele origin: germline.
Comment: This sequence change replaces valine, which is neutral and non-polar, with isoleucine, which is neutral and non-polar, at codon 354 of the MYH14 protein (p.Val354Ile). This variant is not present in population databases (gnomAD no frequency). This variant has not been reported in the literature in individuals affected with MYH14-related conditions. An algorithm developed to predict the effect of missense changes on protein structure and function outputs the following: PolyPhen-2: "Benign". The isoleucine amino acid residue is found in multiple mammalian species, which suggests that this missense change does not adversely affect protein function. In summary, the available evidence is currently insufficient to determine the role of this variant in disease. Therefore, it has been classified as a Variant of Uncertain Significance.